The following is an entry in ClinVar:

NM_001164508.2(NEB):c.2499del (p.Ala834fs)

Gene: NEB (nebulin; minus strand). Cytogenetic location: 2q23.3.
Variant type: Deletion.
Coding change: c.2499del on transcript NM_001164508.2 (MANE Select); coding-DNA position 2499, one base deleted (A; older notation c.2499delA).
Protein change: p.Ala834fs; shifts the reading frame from alanine 834.
Molecular consequence: frameshift variant.
Genome position (GRCh38, 1-based): chr2:151,687,650, T deleted on the plus strand (A on the coding strand, the reverse complement: NEB is on the minus strand); the first of 3 consecutive T bases (chr2:151,687,650-151,687,652); deleting any one gives the same sequence. VCF-style (leftmost placement, unchanged base first): chr2-151687649-CT-C. GRCh37 (hg19) VCF-style: chr2-152544163-CT-C.
Other names: c.2499del, p.Ala834fs (NM_001164507.2, NM_001271208.2, NM_004543.5); short protein forms A834fs.
Identifiers: ClinVar variation 435967 (VCV000435967.10), dbSNP rs1553564693, ClinGen allele CA645372367.

ClinVar aggregate classification (germline): Pathogenic/Likely pathogenic. Review status: criteria provided, multiple submitters, no conflicts (2 of 4 stars). 3 submissions from 3 submitters: Pathogenic (2); Likely pathogenic (1). Last evaluated 2024-05-08.

Conditions:
Nemaline myopathy 2 (NEM2). Also called: Nemaline myopathy 2, autosomal recessive. Identifiers: MedGen C1850569, MONDO:0009725, OMIM 256030.

Submissions (3):

Myriad Genetics, Inc.
Classification: Pathogenic for Nemaline myopathy 2. Last evaluated: 2024-05-08. Review status: criteria provided, single submitter. Criteria: Myriad Autosomal Dominant, Autosomal Recessive and X-Linked Classification Criteria (2023). Collection method: clinical testing. Allele origin: unknown.
Comment: NM_001271208.1(NEB):c.2499delA(A834Pfs*9) is expected to be pathogenic in the context of NEB-related nemaline myopathy. This variant is predicted to lead to an abnormal or absent protein product due to the creation of a premature termination codon in NEB, a gene where loss-of-function variants are known to be pathogenic. Please note: this variant was assessed in the context of healthy population screening.

Labcorp Genetics (formerly Invitae), Labcorp
Classification: Pathogenic for Nemaline myopathy 2. Last evaluated: 2023-11-11. Review status: criteria provided, single submitter. Criteria: Invitae Variant Classification Sherloc (09022015). Collection method: clinical testing. Allele origin: germline.
Comment: This sequence change creates a premature translational stop signal (p.Ala834Profs*9) in the NEB gene. It is expected to result in an absent or disrupted protein product. Loss-of-function variants in NEB are known to be pathogenic (PMID: 25205138). This variant is not present in population databases (gnomAD no frequency). This variant has not been reported in the literature in individuals affected with NEB-related conditions. ClinVar contains an entry for this variant (Variation ID: 435967). For these reasons, this variant has been classified as Pathogenic.

Genetic Services Laboratory, University of Chicago
Classification: Likely pathogenic for Nemaline myopathy 2, autosomal recessive. Last evaluated: 2016-07-11. Review status: criteria provided, single submitter. Criteria: ACMG Guidelines, 2015. Collection method: clinical testing. Allele origin: germline. Affected: yes.

Literature cited by the submitters: PubMed 25205138 (cited by Labcorp Genetics (formerly Invitae), Labcorp).